The following is an entry in ClinVar:

NM_000059.4(BRCA2):c.7977-37C>T

Gene: BRCA2 (BRCA2 DNA repair associated; plus strand). Cytogenetic location: 13q13.1.
Variant type: single nucleotide variant.
Coding change: c.7977-37C>T on transcript NM_000059.4 (MANE Select); 37 bases into the intron before coding-DNA position 7977, C replaced by T.
Molecular consequence: intron variant.
Genome position (GRCh38, 1-based): chr13:32,363,142, C>T. VCF-style: chr13-32363142-C-T. GRCh37 (hg19) VCF-style: chr13-32937279-C-T.
Other names: c.7977-37C>T (NM_001432077.1, NM_001406720.1); c.7881-37C>T (NM_001406719.1); c.3045-37C>T (NM_001406721.1); c.1560-37C>T (NM_001406722.1).
Identifiers: ClinVar variation 3765275 (VCV003765275.1).
Genomic context (GRCh38, chr13:32,363,142, plus strand): 5'-AATTCAGTTTTTATTCTCAGTTATTCAGTGACTTGTTTAAACAGTGGAATTCTAGAGTCA[C>T]ACTTCCTAAAATATGCATTTTTGTTTTCACTTTTAGATATGATACGGAAATTGATAGAAG-3'

ClinVar aggregate classification (germline): Likely benign (1 of 4 stars; one submission).

gnomAD v4.1: 30 of 1,542,934 alleles (0.0019%); highest among the groups gnomAD compares: Non-Finnish European, 0.0025%; no homozygotes.

Submission:

Center for Genomic Medicine, Rigshospitalet, Copenhagen University Hospital
Classification: Likely benign. Last evaluated: 2025-03-04. Review status: criteria provided, single submitter. Criteria: ACMG Guidelines, 2015. Collection method: clinical testing. Allele origin: germline.
Comment: Classification criteria: BP4, BP7